The following is an entry in ClinVar:

NM_000057.4(BLM):c.938C>G (p.Ser313Cys)

Gene: BLM (BLM RecQ like helicase; plus strand). Cytogenetic location: 15q26.1.
Variant type: single nucleotide variant.
Coding change: c.938C>G on transcript NM_000057.4 (MANE Select); coding-DNA position 938, C replaced by G.
Protein change: p.Ser313Cys; replaces serine 313 with cysteine.
Molecular consequence: missense variant. On other transcripts: 5 prime UTR variant (1).
Genome position (GRCh38, 1-based): chr15:90,751,925, C>G. VCF-style: chr15-90751925-C-G. GRCh37 (hg19) VCF-style: chr15-91295155-C-G.
Other names: c.938C>G, p.Ser313Cys (NM_001287246.2, NM_001287247.2); c.-354C>G (NM_001287248.2); short protein forms S313C.
Identifiers: ClinVar variation 3712100 (VCV003712100.2).

ClinVar aggregate classification (germline): Uncertain significance (1 of 4 stars; one submission).

Conditions:
Bloom syndrome (BLM). Also called: Bloom-Torre-Machacek syndrome. Identifiers: Orphanet 125, MedGen C0005859, MONDO:0008876, OMIM 210900.

Submission:

Labcorp Genetics (formerly Invitae), Labcorp
Classification: Uncertain significance for Bloom syndrome. Last evaluated: 2024-12-22. Review status: criteria provided, single submitter. Criteria: Invitae Variant Classification Sherloc (09022015). Collection method: clinical testing. Allele origin: germline.
Comment: This sequence change replaces serine, which is neutral and polar, with cysteine, which is neutral and slightly polar, at codon 313 of the BLM protein (p.Ser313Cys). This variant is not present in population databases (gnomAD no frequency). This variant has not been reported in the literature in individuals affected with BLM-related conditions. Invitae Evidence Modeling of protein sequence and biophysical properties (such as structural, functional, and spatial information, amino acid conservation, physicochemical variation, residue mobility, and thermodynamic stability) indicates that this missense variant is not expected to disrupt BLM protein function with a negative predictive value of 80%. In summary, the available evidence is currently insufficient to determine the role of this variant in disease. Therefore, it has been classified as a Variant of Uncertain Significance.